The following is an entry in ClinVar:

ClinVar aggregate classification (germline): Uncertain significance (1 of 4 stars; one submission).

Conditions:
Ullrich congenital muscular dystrophy 2 (UCMD2). Identifiers: Orphanet 75840, MedGen C4225314, MONDO:0014654, OMIM 616470.
Bethlem myopathy 2 (BTHLM2). Identifiers: Orphanet 536516, Orphanet 610, MedGen C4225313, MONDO:0034022, OMIM 616471.

Submission:

Labcorp Genetics (formerly Invitae), Labcorp
Classification: Uncertain significance for Bethlem myopathy 2; Ullrich congenital muscular dystrophy 2. Last evaluated: 2025-12-02. Review status: criteria provided, single submitter. Criteria: Invitae Variant Classification Sherloc (09022015). Collection method: clinical testing. Allele origin: germline.
Comment: This sequence change replaces glycine, which is neutral and non-polar, with valine, which is neutral and non-polar, at codon 2812 of the COL12A1 protein (p.Gly2812Val). This variant is not present in population databases (gnomAD no frequency). This variant has not been reported in the literature in individuals affected with COL12A1-related conditions. An algorithm developed to predict the effect of missense changes on protein structure and function (PolyPhen-2) suggests that this variant is likely to be disruptive. In summary, the available evidence is currently insufficient to determine the role of this variant in disease. Therefore, it has been classified as a Variant of Uncertain Significance.

NM_004370.6(COL12A1):c.8435G>T (p.Gly2812Val)

Gene: COL12A1 (collagen type XII alpha 1 chain; minus strand). Cytogenetic location: 6q13.
Variant type: single nucleotide variant.
Coding change: c.8435G>T on transcript NM_004370.6 (MANE Select); coding-DNA position 8435, G replaced by T.
Protein change: p.Gly2812Val; replaces glycine 2812 with valine.
Molecular consequence: missense variant.
Genome position (GRCh38, 1-based): chr6:75,102,033, C>A on the plus strand (G>T on the coding strand, the complement: COL12A1 is on the minus strand). VCF-style: chr6-75102033-C-A. GRCh37 (hg19) VCF-style: chr6-75811749-C-A.
Other names: c.8162G>T, p.Gly2721Val (NM_001424115.1); c.4943G>T, p.Gly1648Val (NM_001424116.1, NM_080645.3); c.8435G>T, p.Gly2812Val (NM_001424113.1); c.8414G>T, p.Gly2805Val (NM_001424114.1); short protein forms G2812V, G2721V, G1648V, G2805V.
Identifiers: ClinVar variation 4786896 (VCV004786896.1).